The following is an entry in ClinVar:

ClinVar aggregate classification (germline): Uncertain significance. Review status: criteria provided, multiple submitters, no conflicts (2 of 4 stars). 2 submissions from 2 submitters: Uncertain significance (2). Last evaluated 2025-01-24.

Conditions:
Inborn genetic diseases. Identifiers: MedGen C0950123, MeSH D030342.
Infantile-onset X-linked spinal muscular atrophy. Also called: AMC, DISTAL, X-LINKED; ARTHROGRYPOSIS, X-LINKED, TYPE I; SPINAL MUSCULAR ATROPHY, X-LINKED LETHAL INFANTILE; Spinal Muscular Atrophy, X-Linked Infantile; Spinal muscular atrophy, X-linked 2. Identifiers: Orphanet 1145, MedGen C1844934, MONDO:0010532, OMIM 301830.

Allele frequency attached by ClinVar (database versions not stated): gnomAD exomes below 0.00001; gnomAD 0.00001; TOPMed 0.00001.
gnomAD v4.1: 3 of 1,208,308 alleles (0.00025%); highest among the groups gnomAD compares: Non-Finnish European, 0.00034%; no homozygotes.

Submissions (2):

Ambry Genetics
Classification: Uncertain significance for Inborn genetic diseases. Last evaluated: 2025-01-24. Review status: criteria provided, single submitter. Criteria: Ambry Variant Classification Scheme 2023. Collection method: clinical testing. Allele origin: germline.

Labcorp Genetics (formerly Invitae), Labcorp
Classification: Uncertain significance for Infantile-onset X-linked spinal muscular atrophy. Last evaluated: 2024-12-17. Review status: criteria provided, single submitter. Criteria: Invitae Variant Classification Sherloc (09022015). Collection method: clinical testing. Allele origin: germline.
Comment: This sequence change replaces valine, which is neutral and non-polar, with alanine, which is neutral and non-polar, at codon 292 of the UBA1 protein (p.Val292Ala). This variant is not present in population databases (gnomAD no frequency). This variant has not been reported in the literature in individuals affected with UBA1-related conditions. ClinVar contains an entry for this variant (Variation ID: 1764574). An algorithm developed to predict the effect of missense changes on protein structure and function (PolyPhen-2) suggests that this variant is likely to be tolerated. In summary, the available evidence is currently insufficient to determine the role of this variant in disease. Therefore, it has been classified as a Variant of Uncertain Significance.

NM_003334.4(UBA1):c.875T>C (p.Val292Ala)

Gene: UBA1 (ubiquitin like modifier activating enzyme 1; plus strand). Cytogenetic location: Xp11.3.
Variant type: single nucleotide variant.
Coding change: c.875T>C on transcript NM_003334.4 (MANE Select); coding-DNA position 875, T replaced by C.
Protein change: p.Val292Ala; replaces valine 292 with alanine.
Molecular consequence: missense variant.
Genome position (GRCh38, 1-based): chrX:47,202,219, T>C. VCF-style: chrX-47202219-T-C. GRCh37 (hg19) VCF-style: chrX-47061618-T-C.
Other names: c.875T>C, p.Val292Ala (NM_153280.3); short protein forms V292A.
Identifiers: ClinVar variation 1764574 (VCV001764574.6), dbSNP rs1464177170, ClinGen allele CA412794718.